The following is an entry in ClinVar:

ClinVar aggregate classification (germline): Uncertain significance (1 of 4 stars; one submission).

Conditions:
Familial thoracic aortic aneurysm and aortic dissection (TAAD). Also called: Thoracic aortic aneurysms and dissections. Identifiers: Orphanet 91387, MedGen C4707243, MONDO:0019625.

Allele frequency attached by ClinVar (database versions not stated): gnomAD exomes 0.00001; ExAC 0.00002; ESP Exome Variant Server 0.00008.
gnomAD v4.1: 3 of 1,614,236 alleles (0.00019%); highest among the groups gnomAD compares: Middle Eastern, 0.016%; no homozygotes.

Submission:

Color Diagnostics, LLC DBA Color Health
Classification: Uncertain significance for Familial thoracic aortic aneurysm and aortic dissection. Last evaluated: 2019-10-30. Review status: criteria provided, single submitter. Criteria: ACMG Guidelines, 2015. Collection method: clinical testing. Allele origin: germline.
Comment: This missense variant replaces tyrosine with cysteine at codon 309 of the TGFBR2 protein. Computational prediction suggests that this variant may not impact protein structure and function (internally defined REVEL score threshold <= 0.5, PMID: 27666373). Splice site prediction tools suggest that this variant may not impact RNA splicing. To our knowledge, functional studies have not been performed for this variant. This variant has not been reported in individuals affected with cardiovascular disorders in the literature. This variant has been identified in 2/250646 chromosomes in the general population by the Genome Aggregation Database (gnomAD). The available evidence is insufficient to determine the role of this variant in disease conclusively. Therefore, this variant is classified as a Variant of Uncertain Significance.

NM_003242.6(TGFBR2):c.851A>G (p.Tyr284Cys)

Gene: TGFBR2 (transforming growth factor beta receptor 2; plus strand). Cytogenetic location: 3p24.1.
Variant type: single nucleotide variant.
Coding change: c.851A>G on transcript NM_003242.6 (MANE Select); coding-DNA position 851, A replaced by G.
Protein change: p.Tyr284Cys; replaces tyrosine 284 with cysteine.
Molecular consequence: missense variant.
Genome position (GRCh38, 1-based): chr3:30,672,034, A>G. VCF-style: chr3-30672034-A-G. GRCh37 (hg19) VCF-style: chr3-30713526-A-G.
Other names: c.926A>G, p.Tyr309Cys (NM_001024847.3); c.1034A>G, p.Tyr345Cys (NM_001407126.1); c.959A>G, p.Tyr320Cys (NM_001407127.1); c.878A>G, p.Tyr293Cys (NM_001407128.1); c.854A>G, p.Tyr285Cys (NM_001407129.1); c.851A>G, p.Tyr284Cys (NM_001407130.1); c.746A>G, p.Tyr249Cys (NM_001407132.1, NM_001407133.1, NM_001407134.1 and 2 more transcripts); c.566A>G, p.Tyr189Cys (NM_001407137.1); and 1 more; short protein forms Y309C, Y284C, Y285C, Y293C, Y164C, Y189C, Y249C, Y320C.
Identifiers: ClinVar variation 921083 (VCV000921083.4), dbSNP rs374708133, ClinGen allele CA049994.
Genomic context (GRCh38, chr3:30,672,034, plus strand): 5'-AGCAGAACACTTCAGAGCAGTTTGAGACAGTGGCAGTCAAGATCTTTCCCTATGAGGAGT[A>G]TGCCTCTTGGAAGACAGAGAAGGACATCTTCTCAGACATCAATCTGAAGCATGAGAACAT-3'
Protein context (NP_003233.4, residues 274-294): VAVKIFPYEE[Tyr284Cys]ASWKTEKDIF